The following is an entry in ClinVar:

ClinVar aggregate classification (germline): Uncertain significance (1 of 4 stars; one submission).

Conditions:
Dyskeratosis congenita, autosomal recessive 6 (DKCB6). Identifiers: MedGen C4225356, MONDO:0014600, OMIM 616353.
Pulmonary fibrosis and/or bone marrow failure, Telomere-related, 4. Also called: PULMONARY FIBROSIS AND/OR BONE MARROW FAILURE SYNDROME, TELOMERE-RELATED, 4. Identifiers: Orphanet 2032, MedGen C4225347, MONDO:0014612, OMIM 616371.

Allele frequency attached by ClinVar (database versions not stated): gnomAD 0.00001; gnomAD exomes 0.00001; TOPMed 0.00001.
gnomAD v4.1: 17 of 1,611,882 alleles (0.0011%); highest among the groups gnomAD compares: Non-Finnish European, 0.0014%; no homozygotes.

Submission:

Labcorp Genetics (formerly Invitae), Labcorp
Classification: Uncertain significance for Dyskeratosis congenita, autosomal recessive 6; Pulmonary fibrosis and/or bone marrow failure, Telomere-related, 4. Last evaluated: 2024-11-19. Review status: criteria provided, single submitter. Criteria: Invitae Variant Classification Sherloc (09022015). Collection method: clinical testing. Allele origin: germline.
Comment: This sequence change replaces aspartic acid, which is acidic and polar, with glycine, which is neutral and non-polar, at codon 478 of the PARN protein (p.Asp478Gly). This variant is not present in population databases (gnomAD no frequency). This variant has not been reported in the literature in individuals affected with PARN-related conditions. ClinVar contains an entry for this variant (Variation ID: 2173175). Invitae Evidence Modeling of protein sequence and biophysical properties (such as structural, functional, and spatial information, amino acid conservation, physicochemical variation, residue mobility, and thermodynamic stability) indicates that this missense variant is not expected to disrupt PARN protein function with a negative predictive value of 80%. In summary, the available evidence is currently insufficient to determine the role of this variant in disease. Therefore, it has been classified as a Variant of Uncertain Significance.

NM_002582.4(PARN):c.1433A>G (p.Asp478Gly)

Gene: PARN (poly(A)-specific ribonuclease; minus strand). Cytogenetic location: 16p13.12.
Variant type: single nucleotide variant.
Coding change: c.1433A>G on transcript NM_002582.4 (MANE Select); coding-DNA position 1433, A replaced by G.
Protein change: p.Asp478Gly; replaces aspartic acid 478 with glycine.
Molecular consequence: missense variant.
Genome position (GRCh38, 1-based): chr16:14,552,068, T>C on the plus strand (A>G on the coding strand, the complement: PARN is on the minus strand). VCF-style: chr16-14552068-T-C. GRCh37 (hg19) VCF-style: chr16-14645925-T-C.
Other names: c.1250A>G, p.Asp417Gly (NM_001134477.3); c.1295A>G, p.Asp432Gly (NM_001242992.2); short protein forms D432G, D417G, D478G.
Identifiers: ClinVar variation 2173175 (VCV002173175.4), dbSNP rs1286216193, ClinGen allele CA394810370.